The following is an entry in ClinVar:

ClinVar aggregate classification (germline): Uncertain significance (1 of 4 stars; one submission).

Allele frequency attached by ClinVar (database versions not stated): gnomAD 0.00001; TOPMed 0.00001; gnomAD exomes 0.00002.

Submission:

Labcorp Genetics (formerly Invitae), Labcorp
Classification: Uncertain significance. Last evaluated: 2024-10-04. Review status: criteria provided, single submitter. Criteria: Invitae Variant Classification Sherloc (09022015). Collection method: clinical testing. Allele origin: germline.
Comment: This variant, c.562_563insATG, results in the deletion of 1 and insertion of 2 amino acid(s) of the ANKRD26 protein (p.Ser188delinsAsnGly), but otherwise preserves the integrity of the reading frame. This variant is present in population databases (rs757886132, gnomAD 0.003%). This variant has not been reported in the literature in individuals affected with ANKRD26-related conditions. In summary, the available evidence is currently insufficient to determine the role of this variant in disease. Therefore, it has been classified as a Variant of Uncertain Significance.

NM_014915.3(ANKRD26):c.562_563insATG (p.Ser188delinsAsnGly)

Gene: ANKRD26 (ankyrin repeat domain 26; minus strand). Cytogenetic location: 10p12.1.
Variant type: Insertion.
Coding change: c.562_563insATG on transcript NM_014915.3 (MANE Select); coding-DNA positions 562 to 563, ATG inserted.
Protein change: p.Ser188delinsAsnGly.
Molecular consequence: inframe indel.
Genome position: GRCh38 VCF-style: chr10-27092481-C-CCAT. GRCh37 (hg19) VCF-style: chr10-27381410-C-CCAT.
Other names: c.562_563insATG, p.Ser188delinsAsnGly (NM_001256053.2).
Identifiers: ClinVar variation 2892129 (VCV002892129.3), dbSNP rs757886132, ClinGen allele CA204450349.